The following is an entry in ClinVar:

ClinVar aggregate classification (germline): Likely pathogenic (1 of 4 stars; one submission).

Submission:

Labcorp Genetics (formerly Invitae), Labcorp
Classification: Likely pathogenic. Last evaluated: 2025-06-11. Review status: criteria provided, single submitter. Criteria: Invitae Variant Classification Sherloc (09022015). Collection method: clinical testing. Allele origin: germline.
Comment: This sequence change replaces alanine, which is neutral and non-polar, with valine, which is neutral and non-polar, at codon 1303 of the ABCC6 protein (p.Ala1303Val). This variant is not present in population databases (gnomAD no frequency). This variant has not been reported in the literature in individuals affected with ABCC6-related conditions. Invitae Evidence Modeling of protein sequence and biophysical properties (such as structural, functional, and spatial information, amino acid conservation, physicochemical variation, residue mobility, and thermodynamic stability) indicates that this missense variant is expected to disrupt ABCC6 protein function with a positive predictive value of 95%. This variant disrupts the p.Ala1303 amino acid residue in ABCC6. Other variant(s) that disrupt this residue have been determined to be pathogenic (PMID: 12673275, 16086317, 18157818). This suggests that this residue is clinically significant, and that variants that disrupt this residue are likely to be disease-causing. In summary, the currently available evidence indicates that the variant is pathogenic, but additional data are needed to prove that conclusively. Therefore, this variant has been classified as Likely Pathogenic.

Literature cited by the submitters: PubMed 12673275; PubMed 16086317; PubMed 18157818.

NM_001171.6(ABCC6):c.3908C>T (p.Ala1303Val)

Gene: ABCC6 (ATP binding cassette subfamily C member 6; minus strand). Cytogenetic location: 16p13.11.
Variant type: single nucleotide variant.
Coding change: c.3908C>T on transcript NM_001171.6 (MANE Select); coding-DNA position 3908, C replaced by T.
Protein change: p.Ala1303Val; replaces alanine 1303 with valine.
Molecular consequence: missense variant. On other transcripts: non-coding transcript variant (4).
Genome position (GRCh38, 1-based): chr16:16,155,006, G>A on the plus strand (C>T on the coding strand, the complement: ABCC6 is on the minus strand). VCF-style: chr16-16155006-G-A. GRCh37 (hg19) VCF-style: chr16-16248863-G-A.
Other names: c.3566C>T, p.Ala1189Val (NM_001351800.1); c.3875C>T, p.Ala1292Val (NM_001440309.1); c.3740C>T, p.Ala1247Val (NM_001440310.1); short protein forms A1189V, A1292V, A1303V, A1247V.
Identifiers: ClinVar variation 4745980 (VCV004745980.1).